The following is an entry in ClinVar:

NM_001367624.2(ZNF469):c.1357G>T (p.Gly453Trp)

Gene: ZNF469 (zinc finger protein 469; plus strand). Cytogenetic location: 16q24.2.
Variant type: single nucleotide variant.
Coding change: c.1357G>T on transcript NM_001367624.2 (MANE Select); coding-DNA position 1357, G replaced by T.
Protein change: p.Gly453Trp; replaces glycine 453 with tryptophan.
Molecular consequence: missense variant.
Genome position (GRCh38, 1-based): chr16:88,428,827, G>T. VCF-style: chr16-88428827-G-T. GRCh37 (hg19) VCF-style: chr16-88495235-G-T.
Other names: NM_001127464.1:c.1357G>T; short protein forms G453W.
Identifiers: ClinVar variation 1770730 (VCV001770730.2), dbSNP rs2507574636, ClinGen allele CA397066299.

ClinVar aggregate classification (germline): Uncertain significance (1 of 4 stars; one submission).

Conditions:
Cardiovascular phenotype. Identifiers: MedGen CN230736.

Allele frequency attached by ClinVar (database versions not stated): gnomAD exomes below 0.00001.

Submission:

Ambry Genetics
Classification: Uncertain significance for Cardiovascular phenotype. Last evaluated: 2020-07-20. Review status: criteria provided, single submitter. Criteria: Ambry Variant Classification Scheme 2023. Collection method: clinical testing. Allele origin: germline.
Comment: The p.G453W variant (also known as c.1357G>T), located in coding exon 1 of the ZNF469 gene, results from a G to T substitution at nucleotide position 1357. The glycine at codon 453 is replaced by tryptophan, an amino acid with highly dissimilar properties. This amino acid position is poorly conserved in available vertebrate species. In addition, this alteration is predicted to be tolerated by in silico analysis. Since supporting evidence is limited at this time, the clinical significance of this alteration remains unclear.